The following is an entry in ClinVar:

NM_001267550.2(TTN):c.50074_50075del (p.Asp16692fs)

Genes: TTN-AS1 (TTN antisense RNA 1; plus strand), TTN (titin; minus strand). Cytogenetic location: 2q31.2.
Variant type: Microsatellite.
Coding change: c.50074_50075del on transcript NM_001267550.2 (MANE Select); coding-DNA positions 50074 to 50075, 2 bases deleted (GA; older notation c.50074_50075delGA).
Protein change: p.Asp16692fs; shifts the reading frame from aspartic acid 16692.
Molecular consequence: frameshift variant.
Genome position (GRCh38, 1-based): chr2:178,612,450-178,612,451, TC deleted on the plus strand (GA on the coding strand, the reverse complement: TTN is on the minus strand); deleting any 2 consecutive bases within chr2:178,612,450-178,612,456 gives the same sequence; the c. name uses the placement nearest the transcript's 3' end. VCF-style (leftmost placement, unchanged base first): chr2-178612449-GTC-G. GRCh37 (hg19) VCF-style: chr2-179477176-GTC-G.
Other names: c.45151_45152del, p.Asp15051fs (NM_001256850.1); c.22879_22880del, p.Asp7627fs (NM_003319.4); c.42370_42371del, p.Asp14124fs (NM_133378.4); c.23254_23255del, p.Asp7752fs (NM_133432.3); c.23455_23456del, p.Asp7819fs (NM_133437.4); c.50074_50075delGA (NM_001267550.2); short protein forms D16692fs, D14124fs, D7627fs, D7819fs, D15051fs, D7752fs.
Identifiers: ClinVar variation 404966 (VCV000404966.3), dbSNP rs1060500513, ClinGen allele CA16610483.
Genomic context (GRCh38, chr2:178,612,449, plus strand): 5'-GACTGTGCACTTGGTGTCCTTGACAGTGGTATCCACTGTTTGCCAGCCTTTTCGCCTGAC[GTC>G]TCTCTTTTCCACAATGTAGTTGGTGATGGGGGACCCTCCATCTTTCTCAGGAACTGTCCA-3'

ClinVar aggregate classification (germline): Likely pathogenic (1 of 4 stars; one submission).

Conditions:
Dilated cardiomyopathy 1G (CMD1G). Identifiers: Orphanet 154, MedGen C1858763, MONDO:0011400, OMIM 604145.
Autosomal recessive limb-girdle muscular dystrophy type 2J (LGMDR10). Also called: Limb-girdle muscular dystrophy, type 2J; MUSCULAR DYSTROPHY, LIMB-GIRDLE, AUTOSOMAL RECESSIVE 10. Identifiers: Orphanet 140922, MedGen C1837342, MONDO:0012127, OMIM 608807.

Submission:

Labcorp Genetics (formerly Invitae), Labcorp
Classification: Likely pathogenic for Dilated cardiomyopathy 1G; Autosomal recessive limb-girdle muscular dystrophy type 2J. Last evaluated: 2025-12-23. Review status: criteria provided, single submitter. Criteria: Invitae Variant Classification Sherloc (09022015). Collection method: clinical testing. Allele origin: germline.
Comment: This sequence change creates a premature translational stop signal (p.Asp16692Argfs*25) in the TTN gene. While this is not anticipated to result in nonsense mediated decay, it is expected to create a truncated TTN protein. This variant is not present in population databases (gnomAD no frequency). This premature translational stop signal has been observed in individual(s) with clinical features of dilated cardiomyopathy (PMID: 29540472). ClinVar contains an entry for this variant (Variation ID: 404966). This variant is located in the A band of TTN (PMID: 25589632). Truncating variants in this region are significantly overrepresented in patients affected with dilated cardiomyopathy (PMID: 25589632). Truncating variants in this region have also been reported in individuals affected with autosomal recessive centronuclear myopathy (PMID: 23975875). In summary, the currently available evidence indicates that the variant is pathogenic, but additional data are needed to prove that conclusively. Therefore, this variant has been classified as Likely Pathogenic.

Literature cited by the submitters: PubMed 29540472; PubMed 25589632; PubMed 23975875.